The following is an entry in ClinVar:

ClinVar aggregate classification (germline): Pathogenic (1 of 4 stars; one submission).

Conditions:
Neurofibromatosis, type 1 (NF1). Also called: VON RECKLINGHAUSEN DISEASE; Peripheral type neurofibromatosis; Neurofibromatosis, type I; NEUROFIBROMATOSIS, TYPE I, SOMATIC. Identifiers: Orphanet 636, MedGen C0027831, MONDO:0018975, OMIM 162200. Disease mechanism: loss of function.

Submission:

Labcorp Genetics (formerly Invitae), Labcorp
Classification: Pathogenic for Neurofibromatosis, type 1. Last evaluated: 2023-06-11. Review status: criteria provided, single submitter. Criteria: Invitae Variant Classification Sherloc (09022015). Collection method: clinical testing. Allele origin: germline.
Comment: This sequence change falls in intron 15 of the NF1 gene. It does not directly change the encoded amino acid sequence of the NF1 protein. It affects a nucleotide within the consensus splice site. This variant is not present in population databases (gnomAD no frequency). This variant has been observed in individual(s) with clinical features of neurofibromatosis (PMID: 21520333; Invitae). In at least one individual the variant was observed to be de novo. ClinVar contains an entry for this variant (Variation ID: 1383029). Variants that disrupt the consensus splice site are a relatively common cause of aberrant splicing (PMID: 17576681, 9536098). Algorithms developed to predict the effect of sequence changes on RNA splicing suggest that this variant may disrupt the consensus splice site. This variant disrupts the c.1231+3A nucleotide in the NF1 gene. Other variant(s) that disrupt this nucleotide have been determined to be pathogenic (PMID: 7981679, 15146469, 16944272, 18546366, 23404336, 26478990). This suggests that this nucleotide is clinically significant, and that variants that disrupt this position are likely to be disease-causing. For these reasons, this variant has been classified as Pathogenic.

Literature cited by the submitters: PubMed 21520333; PubMed 17576681; PubMed 9536098; PubMed 7981679; PubMed 15146469; PubMed 16944272; PubMed 18546366; PubMed 23404336; PubMed 26478990.

NM_001042492.3(NF1):c.1721+3A>C

Gene: NF1 (neurofibromin 1; plus strand). Cytogenetic location: 17q11.2.
Variant type: single nucleotide variant.
Coding change: c.1721+3A>C on transcript NM_001042492.3 (MANE Select); 3 bases into the intron after coding-DNA position 1721, A replaced by C.
Molecular consequence: intron variant. On other transcripts: missense variant (1).
Genome position (GRCh38, 1-based): chr17:31,221,932, A>C. VCF-style: chr17-31221932-A-C. GRCh37 (hg19) VCF-style: chr17-29548950-A-C.
Other names: c.1724A>C, p.Tyr575Ser (NM_001128147.3); c.1721+3A>C (NM_000267.4); short protein forms Y575S.
Identifiers: ClinVar variation 1383029 (VCV001383029.8), dbSNP rs1057518904, ClinGen allele CA399002397.